The following is an entry in ClinVar:

ClinVar aggregate classification (germline): Pathogenic. Review status: criteria provided, multiple submitters, no conflicts (2 of 4 stars). 17 submissions from 17 submitters: Pathogenic (15). 2 of the submissions do not count toward it. Last evaluated 2026-09-14.

Conditions:
KCNT1-related disorder. Also called: KCNT1-related condition.
Autosomal dominant nocturnal frontal lobe epilepsy 5. Also called: KCNT1-Related Epilepsy; CILIARY DYSKINESIA, PRIMARY, 28, WITHOUT SITUS INVERSUS; CILIARY DYSKINESIA, PRIMARY, 28, WITH SITUS INVERSUS; Epilepsy, nocturnal frontal lobe, 5. Identifiers: Orphanet 98784, MedGen C3554306, MONDO:0014002, OMIM 615005.
Developmental and epileptic encephalopathy, 14 (DEE14). Also called: Early infantile epileptic encephalopathy 14. Identifiers: Orphanet 293181, MedGen C3554195, MONDO:0013989, OMIM 614959.

Submissions 1 to 10 of 17:

PreventionGenetics, part of Exact Sciences
Classification: Pathogenic for KCNT1-related condition. Last evaluated: 2026-09-14. Review status: criteria provided, single submitter. Criteria: ACMG Guidelines, 2015. Collection method: clinical testing. Allele origin: germline.
Comment: The KCNT1 c.1283G>A variant is predicted to result in the amino acid substitution p.Arg428Gln. This variant has been reported in several individuals with KCNT1-related disorders such as malignant migrating partial seizures of infancy (Barcia et al. 2012. PubMed ID: 23086397; Kim et al. 2014. PubMed ID: 25482562) and epilepsy of infancy with migrating focal seizures (Milligan et al. 2014. PubMed ID: 24591078; Barcia et al. 2019. PubMed ID: 31872048). The variant arose de novo in the majority of reported cases. Functional studies show this mutation results in a gain of function, altering the C-terminal region of the protein and affecting channel gaiting, current amplitude, and interaction with other relevant proteins (Barcia et al. 2012. PubMed ID: 23086397). This variant has not been reported in a large population database, indicating it is rare in the general population. This variant is interpreted as pathogenic.

Labcorp Genetics (formerly Invitae), Labcorp
Classification: Pathogenic for Autosomal dominant nocturnal frontal lobe epilepsy 5; Developmental and epileptic encephalopathy, 14. Last evaluated: 2025-12-29. Review status: criteria provided, single submitter. Criteria: Invitae Variant Classification Sherloc (09022015). Collection method: clinical testing. Allele origin: germline.
Comment: This sequence change replaces arginine, which is basic and polar, with glutamine, which is neutral and polar, at codon 428 of the KCNT1 protein (p.Arg428Gln). This variant is not present in population databases (gnomAD no frequency). This missense change has been observed in individual(s) with early infantile epileptic encephalopathy (PMID: 23086397, 25042079, 26140313, 27779742). In at least one individual the variant was observed to be de novo. ClinVar contains an entry for this variant (Variation ID: 39593). Invitae Evidence Modeling of protein sequence and biophysical properties (such as structural, functional, and spatial information, amino acid conservation, physicochemical variation, residue mobility, and thermodynamic stability) has been performed for this missense variant. However, the output from this modeling did not meet the statistical confidence thresholds required to predict the impact of this variant on KCNT1 protein function. Experimental studies have shown that this missense change affects KCNT1 function (PMID: 23086397, 24591078). For these reasons, this variant has been classified as Pathogenic.

3billion
Classification: Pathogenic for Developmental and epileptic encephalopathy, 14. Last evaluated: 2025-04-10. Review status: criteria provided, single submitter. Criteria: ACMG Guidelines, 2015. Collection method: clinical testing. Allele origin: germline. Affected: yes.
Comment: The variant is not observed in the gnomAD v4.1.0 dataset. Predicted Consequence/Location: Missense variant. Missense changes are a common disease-causing mechanism. Functional studies provide moderate evidence of the variant having a damaging effect on the gene or gene product (PMID: 23086397). In silico tool predictions suggest damaging effect of the variant on gene or gene product [REVEL: 0.70 (>=0.6, sensitivity 0.68 and specificity 0.92); 3Cnet: 0.99 (> 0.75, sensitivity 0.96 and precision 0.92)]. The same nucleotide change resulting in the same amino acid change has been previously reported as pathogenic/likely pathogenic with strong evidence (ClinVar ID: VCV000039593 / PMID: 23086397 / 3billion dataset). Therefore, this variant is classified as Pathogenic according to the recommendation of ACMG/AMP guideline.

Dasa
Classification: Pathogenic. Last evaluated: 2025-01-28. Review status: criteria provided, single submitter. Criteria: DASA Assertion Criteria. Collection method: clinical testing. Allele origin: germline.
Comment: NM_020822.3(KCNT1):c.1283G>A (p.Arg428Gln) is a missense variant that results in the substitution of arginine with glutamine. The affected residue or protein region has prior evidence supporting clinical relevance. De novo occurrence has been reported in an individual with related phenotype. Functional evidence supports a deleterious effect on the gene or gene product (PMID: 29196579; PMID: 26140313; PMID: 23086397; PMID: 24591078; PMID: 30804880). This variant has been recurrently observed in individuals with related phenotype (PMID: 29196579; PMID: 26140313; PMID: 23086397; PMID: 24591078; PMID: 30804880). The variant is present at low frequency in population datasets. Based on the available data, this variant is classified as pathogenic.

Revvity Omics, Revvity
Classification: Pathogenic. Last evaluated: 2024-01-22. Review status: criteria provided, single submitter. Criteria: ACMG Guidelines, 2015. Collection method: clinical testing. Allele origin: germline.

CeGaT Center for Human Genetics Tuebingen
Classification: Pathogenic. Last evaluated: 2023-08-01. Review status: criteria provided, single submitter. Criteria: CeGaT Center For Human Genetics Tuebingen Variant Classification Criteria Version 2. Collection method: clinical testing. Allele origin: germline. Affected: yes. Observed: 2 variant alleles.
Comment: KCNT1: PS2:Very Strong, PM2, PS4:Moderate, PS3:Supporting

Neuberg Centre For Genomic Medicine, NCGM
Classification: Pathogenic for Developmental and epileptic encephalopathy, 14. Last evaluated: 2023-05-20. Review status: criteria provided, single submitter. Criteria: ACMG Guidelines, 2015. Collection method: clinical testing. Allele origin: germline. Inheritance: Autosomal dominant inheritance. Affected: yes.
Comment: The observed missense c.1283G>A(p.Arg428Gln) variant in KCNT1 gene has been reported in heterozygous state in individuals affected with KCNT1 related diseases (Alsaleem M, et. al., 2019; Barcia G, et. al., 2019; Datta AN, et. al., 2019). Experimental studies have shown that this missense change affects KCNT1 function (Milligan CJ, et. al., 2014; Barcia G, et.al., 2012). The p.Arg428Gln variant is absent in gnomAD Exomes database. This variant has been reported to the ClinVar database as Pathogenic (multiple submissions). Multiple lines of computational evidence (Polyphen - probably damaging, SIFT - damaging and MutationTaster - disease causing) predict a damaging effect on protein structure and function for this variant. The amino acid change p.Arg428Gln in KCNT1 is predicted as conserved by GERP++ and PhyloP across 100 vertebrates. The amino acid Arg at position 428 is changed to a Gln changing protein sequence and it might alter its composition and physico-chemical properties. For these reasons, this variant has been classified as Pathogenic.

Victorian Clinical Genetics Services, Murdoch Childrens Research Institute
Classification: Pathogenic for Developmental and epileptic encephalopathy, 14. Last evaluated: 2022-09-02. Review status: criteria provided, single submitter. Criteria: ACMG Guidelines, 2015. Collection method: clinical testing. Allele origin: germline. Inheritance: Autosomal dominant inheritance. Affected: yes.
Comment: Based on the classification scheme VCGS_Germline_v1.3.4, this variant is classified as Pathogenic. Following criteria are met: 0101 - Gain of function is a known mechanism of disease in this gene and is associated with developmental and epileptic encephalopathy 14 (MIM#614959). (I) 0107 - This gene is associated with autosomal dominant disease. (I) 0115 - Variants in this gene are known to have variable expressivity (PMID: 26740507). (I) 0200 - Variant is predicted to result in a missense amino acid change from arginine to glutamine. (I) 0251 - This variant is heterozygous. (I) 0301 - Variant is absent from gnomAD (both v2 and v3). (SP) 0309 - An alternative amino acid change at the same position has been observed in gnomAD (v2: 3 heterozygotes, 0 homozygotes). (I) 0502 - Missense variant with conflicting in silico predictions and uninformative conservation. (I) 0604 - Variant is not located in an established domain, motif, hotspot or informative constraint region. (I) 0801 - This variant has very strong previous evidence of pathogenicity in unrelated individuals. This variant has been classified as pathogenic by clinical laboratories in ClinVar and observed in four unrelated individuals with malignant migrating partial seizures of infancy (MMPSI) (ClinVar, PMID: 23086397, 25042079). (SP) 1208 - Inheritance information for this variant is not currently available in this individual. (I) Legend: (SP) - Supporting pathogenic, (I) - Information, (SB) - Supporting benign

GeneDx
Classification: Pathogenic. Last evaluated: 2022-06-16. Review status: criteria provided, single submitter. Criteria: GeneDx Variant Classification Process June 2021. Collection method: clinical testing. Allele origin: germline. Affected: yes.
Comment: Published functional study demonstrates a strong gain-of-function in KCNT1 channel properties, which correlate with the more severe MMPSI phenotype (Milligan et al., 2014).; Not observed in large population cohorts (gnomAD); In silico analysis supports that this missense variant has a deleterious effect on protein structure/function; This variant is associated with the following publications: (PMID: 25482562, 27779742, 30182418, 23086397, 25042079, 30182498, 30782581, 31653631, 31872048, 31560846, 31532509, 32167590, 33258288, 33619735, 26748457, 24591078)

Laboratorio de Genetica e Diagnostico Molecular, Hospital Israelita Albert Einstein
Classification: Pathogenic. Last evaluated: 2022-01-18. Review status: criteria provided, single submitter. Criteria: ACMG Guidelines, 2015. Collection method: clinical testing. Allele origin: germline. Affected: yes.
Comment: ACMG classification criteria: PS3, PS4, PM2, PM6, PP3

NM_020822.3(KCNT1):c.1283G>A (p.Arg428Gln)

Gene: KCNT1 (potassium sodium-activated channel subfamily T member 1; plus strand). Cytogenetic location: 9q34.3.
Variant type: single nucleotide variant.
Coding change: c.1283G>A on transcript NM_020822.3 (MANE Select); coding-DNA position 1283, G replaced by A.
Protein change: p.Arg428Gln; replaces arginine 428 with glutamine.
Molecular consequence: missense variant.
Genome position (GRCh38, 1-based): chr9:135,765,706, G>A. VCF-style: chr9-135765706-G-A. GRCh37 (hg19) VCF-style: chr9-138657552-G-A.
Other names: c.1148G>A, p.Arg383Gln (NM_001272003.2); short protein forms R428Q, R383Q.
Identifiers: ClinVar variation 39593 (VCV000039593.72), dbSNP rs397515402, ClinGen allele CA130389.